The following is an entry in ClinVar:

ClinVar aggregate classification (germline): Uncertain significance (1 of 4 stars; one submission).

Conditions:
Cardiovascular phenotype. Identifiers: MedGen CN230736.

Submission:

Ambry Genetics
Classification: Uncertain significance for Cardiovascular phenotype. Last evaluated: 2026-04-18. Review status: criteria provided, single submitter. Criteria: Ambry Variant Classification Scheme 2023. Collection method: clinical testing. Allele origin: germline.
Comment: The p.S104C variant (also known as c.310A>T), located in coding exon 3 of the ENG gene, results from an A to T substitution at nucleotide position 310. The serine at codon 104 is replaced by cysteine, an amino acid with dissimilar properties. This amino acid position is conserved. In addition, this alteration is predicted to be tolerated by in silico analysis. Based on the available evidence, the clinical significance of this variant remains unclear.

NM_001114753.3(ENG):c.310A>T (p.Ser104Cys)

Gene: ENG (endoglin; minus strand). Cytogenetic location: 9q34.11.
Variant type: single nucleotide variant.
Coding change: c.310A>T on transcript NM_001114753.3 (MANE Select); coding-DNA position 310, A replaced by T.
Protein change: p.Ser104Cys; replaces serine 104 with cysteine.
Molecular consequence: missense variant. On other transcripts: 5 prime UTR variant (1).
Genome position (GRCh38, 1-based): chr9:127,829,737, T>A on the plus strand (A>T on the coding strand, the complement: ENG is on the minus strand). VCF-style: chr9-127829737-T-A. GRCh37 (hg19) VCF-style: chr9-130592016-T-A.
Other names: c.310A>T, p.Ser104Cys (NM_000118.4, NM_001406715.1); c.-237A>T (NM_001278138.2); short protein forms S104C.
Identifiers: ClinVar variation 4870446 (VCV004870446.1).